The following is an entry in ClinVar:

NM_006767.4(LZTR1):c.2220-15_2220-5del

Gene: LZTR1 (leucine zipper like post translational regulator 1; plus strand). Cytogenetic location: 22q11.21.
Variant type: Deletion.
Coding change: c.2220-15_2220-5del on transcript NM_006767.4 (MANE Select); 15 bases into the intron before coding-DNA position 2220 through 5 bases into the intron before coding-DNA position 2220, 11 bases deleted (TTAACCAGGCC).
Molecular consequence: intron variant.
Genome position (GRCh38, 1-based): chr22:20,996,681-20,996,691, TTAACCAGGCC deleted; deleting any 11 consecutive bases within chr22:20,996,679-20,996,691 gives the same sequence; the c. name uses the placement nearest the transcript's 3' end. VCF-style (leftmost placement, unchanged base first): chr22-20996678-TCCTTAACCAGG-T. GRCh37 (hg19) VCF-style: chr22-21350967-TCCTTAACCAGG-T.
Identifiers: ClinVar variation 5023761 (VCV005023761.1).

ClinVar aggregate classification (germline): Uncertain significance (1 of 4 stars; one submission).

Conditions:
Cardiovascular phenotype. Identifiers: MedGen CN230736.
Hereditary cancer-predisposing syndrome. Also called: Neoplastic Syndromes, Hereditary; Tumor predisposition; Hereditary neoplastic syndrome; Hereditary Cancer Syndrome. Identifiers: Orphanet 140162, MedGen C0027672, MeSH D009386, MONDO:0015356.

Submission:

Ambry Genetics
Classification: Uncertain significance for Cardiovascular phenotype; Hereditary cancer-predisposing syndrome. Last evaluated: 2026-07-09. Review status: criteria provided, single submitter. Criteria: Ambry Variant Classification Scheme 2023. Collection method: clinical testing. Allele origin: germline.
Comment: The c.2220-15_2220-5del11 intronic variant, located in intron 18 of the LZTR1 gene, results from a deletion of 11 nucleotides within intron 18 of the LZTR1 gene. This nucleotide region is generally well conserved in available vertebrate species. In silico splice site analysis predicts that this alteration will weaken the native splice acceptor site and may result in the creation or strengthening of a novel splice acceptor site. Based on the available evidence, the clinical significance of this variant remains unclear.